The following is an entry in ClinVar:

ClinVar aggregate classification (germline): Likely benign (1 of 4 stars; one submission).

Conditions:
EHHADH-related disorder. Also called: EHHADH-related condition.

gnomAD v4.1: 38 of 1,613,758 alleles (0.0024%); highest among the groups gnomAD compares: Non-Finnish European, 0.0032%; no homozygotes.

Submission:

PreventionGenetics, part of Exact Sciences
Classification: Likely benign for EHHADH-related condition. Last evaluated: 2024-11-03. Review status: criteria provided, single submitter. Criteria: ACMG Guidelines, 2015. Collection method: clinical testing. Allele origin: germline.
Comment: This variant is classified as likely benign based on ACMG/AMP sequence variant interpretation guidelines (Richards et al. 2015 PMID: 25741868, with internal and published modifications).

NM_001966.4(EHHADH):c.225A>G (p.Thr75=)

Gene: EHHADH (enoyl-CoA hydratase and 3-hydroxyacyl CoA dehydrogenase; minus strand). Cytogenetic location: 3q27.2.
Variant type: single nucleotide variant.
Coding change: c.225A>G on transcript NM_001966.4 (MANE Select); coding-DNA position 225, A replaced by G.
Protein change: p.Thr75=; no amino-acid change (threonine 75 retained).
Molecular consequence: synonymous variant. On other transcripts: 5 prime UTR variant (1).
Genome position (GRCh38, 1-based): chr3:185,235,416, T>C on the plus strand (A>G on the coding strand, the complement: EHHADH is on the minus strand). VCF-style: chr3-185235416-T-C. GRCh37 (hg19) VCF-style: chr3-184953204-T-C.
Other names: c.-64A>G (NM_001166415.2).
Identifiers: ClinVar variation 4987885 (VCV004987885.1).
Genomic context (GRCh38, chr3:185,235,416, plus strand): 5'-TTGGATTGCTGCCACCACGGGCTTCTCATTTCTCTGTATTTCATCTACTACATGTCCCAG[T>C]GTAAGGCCAAATGTCCTAGGAGCACTGAAGCCACGAATATCAGCACCTAAGGGCACAAAG-3'
Protein context (NP_001957.2, residues 65-85): GFSAPRTFGL[Thr75=]LGHVVDEIQR